The following is an entry in ClinVar:

NM_001009944.3(PKD1):c.5014_5015del (p.Arg1672fs)

Gene: PKD1 (polycystin 1, transient receptor potential channel interacting; minus strand). Cytogenetic location: 16p13.3.
Variant type: Deletion.
Coding change: c.5014_5015del on transcript NM_001009944.3 (MANE Select); coding-DNA positions 5014 to 5015, 2 bases deleted (AG; older notation c.5014_5015delAG).
Protein change: p.Arg1672fs; shifts the reading frame from arginine 1672.
Molecular consequence: frameshift variant.
Genome position (GRCh38, 1-based): chr16:2,110,152-2,110,153, CT deleted on the plus strand (AG on the coding strand, the reverse complement: PKD1 is on the minus strand). VCF-style (leftmost placement, unchanged base first): chr16-2110151-CCT-C. GRCh37 (hg19) VCF-style: chr16-2160152-CCT-C.
Other names: p.Arg1672Glyfs*98; c.5014_5015del, p.Arg1672fs (NM_000296.4); c.5014_5015del (NM_001009944.2); short protein forms R1672fs.
Identifiers: ClinVar variation 447985 (VCV000447985.59), dbSNP rs1555455457, ClinGen allele CA658655504.
Genomic context (GRCh38, chr16:2,110,151, plus strand): 5'-GGTGCCGGCCTCGAGCACGGTGAGCGAGAAGCCTTTGCCGCTGCCGGCCAGGGCCGGGCC[CCT>C]GTCCCTCCAGGCAGTCCAGCTGTAGGAGACGTTGGTGCCATCCCTAACCACGGCCTGCAG-3'

ClinVar aggregate classification (germline): Pathogenic. Review status: criteria provided, multiple submitters, no conflicts (2 of 4 stars). 31 submissions from 31 submitters: Pathogenic (28). 3 of the submissions do not count toward it. Last evaluated 2026-07-27.

Conditions:
PKD1-related disorder. Also called: PKD1-related condition.
Inborn genetic diseases. Identifiers: MedGen C0950123, MeSH D030342.
Polycystic kidney disease. Also called: Kidney, Polycystic; Polycystic kidney dysplasia. Identifiers: MedGen C0022680, MeSH D007690, MONDO:0020642, HP:0000113.
Cystic renal disease.
Polycystic kidney disease, adult type (PKD1). Also called: POLYCYSTIC KIDNEY DISEASE 1 WITH OR WITHOUT POLYCYSTIC LIVER DISEASE; POLYCYSTIC KIDNEY DISEASE, ADULT, TYPE I; Polycystic Kidney Disease 1, Autosomal Dominant; Polycystic kidney disease 1; Polycystic kidney disease 1, severe; Polycystic Kidney, Autosomal Dominant. Identifiers: MedGen C3149841, MONDO:0008263, OMIM 173900.
Renal cyst. Also called: Cystic kidney disease; Renal cysts; cystic kidneys. Identifiers: MedGen C3887499, MONDO:0002473, HP:0000107.

Allele frequency attached by ClinVar (database versions not stated): gnomAD 0.00001.

Submissions 1 to 14 of 31:

Institute of Human Genetics, University of Leipzig Medical Center
Classification: Pathogenic for Polycystic kidney disease, adult type. Last evaluated: 2026-07-27. Review status: criteria provided, single submitter. Criteria: ACMG Guidelines, 2015. Collection method: clinical testing. Allele origin: unknown. Inheritance: Autosomal dominant inheritance. Affected: yes.
Comment: Criteria applied: PVS1,PS4,PS2_MOD

PreventionGenetics, part of Exact Sciences
Classification: Pathogenic for PKD1-related condition. Last evaluated: 2026-05-25. Review status: criteria provided, single submitter. Criteria: ACMG Guidelines, 2015. Collection method: clinical testing. Allele origin: germline.
Comment: The PKD1 c.5014_5015delAG variant is predicted to result in a frameshift and premature protein termination (p.Arg1672Glyfs*98). This variant has been repeatedly reported to be pathogenic for autosomal dominant polycystic kidney disease (ADPKD) (see for example, Watnick et al. 1999. PubMed ID: 10577909; Zacchia et al. 2021. PubMed ID: 33964006). This variant has not been reported in a large population database (gnomAD), indicating this variant is rare. Frameshift variants in PKD1 are expected to be pathogenic. This variant is interpreted as pathogenic.

Victorian Clinical Genetics Services, Murdoch Childrens Research Institute
Classification: Pathogenic for Polycystic kidney disease, adult type. Last evaluated: 2026-04-17. Review status: criteria provided, single submitter. Criteria: ACMG Guidelines, 2015. Collection method: clinical testing. Allele origin: germline. Affected: yes.
Comment: This variant is classified as Pathogenic. Evidence in support of pathogenic classification: Variant is predicted to cause nonsense-mediated decay (NMD) and loss of protein (premature termination codon is located at least 54 nucleotides upstream of the final exon-exon junction); Variant is present in gnomAD (v4) <0.001 for a dominant condition (6 heterozygote(s), 0 homozygote(s)); This variant has strong previous evidence of pathogenicity in unrelated individuals. This variant has been reported in multiple individuals with autosomal dominant polycystic kidney disease (ClinVar, PMID:17582161, 22185115); Other NMD-predicted variant(s) comparable to the one identified in this case have very strong previous evidence for pathogenicity (DECIPHER). Additional information: This variant is heterozygous; This gene is associated with autosomal dominant disease. Polycystic kidney disease 1 (MIM#173900) is predominantly caused by monoallelic variants, with rare reports of biallelic variants causing disease (OMIM); Loss of function is a known mechanism of disease in this gene and is associated with polycystic kidney disease 1 (MIM#173900); Inheritance information for this variant is not currently available in this individual.

Genetics Laboratory, Great Ormond Street Hospital NHS Foundation Trust, North Thames Genomic Laboratory Hub
Classification: Pathogenic for Cystic renal disease. Last evaluated: 2026-03-14. Review status: criteria provided, single submitter. Criteria: ACGS Best Practice Guidelines for Variant Classification in Rare Disease 2024 v1.2. Collection method: clinical testing. Allele origin: germline. Affected: yes.
Comment: PS4_moderate, PM2_moderate, PVS1_very-strong, PP4_supporting

3billion
Classification: Pathogenic for Polycystic kidney disease, adult type. Last evaluated: 2026-01-29. Review status: criteria provided, single submitter. Criteria: ACMG Guidelines, 2015. Collection method: clinical testing. Allele origin: germline. Affected: yes.
Comment: The variant is observed at an extremely low frequency in the gnomAD v4.1.0 dataset (total allele frequency: <0.001%). Predicted Consequence/Location: Frameshift: predicted to result in a loss or disruption of normal protein function through nonsense-mediated decay (NMD) or protein truncation. Multiple pathogenic variants are reported downstream of the variant. The variant has been previously reported as assumed (i.e. paternity and maternity not confirmed) de novo in at least one similarly affected unrelated individual (3billion dataset). The variant has been reported at least twice as pathogenic with clinical assertions and evidence for the classification (ClinVar ID: VCV000447985 /PMID: 10577909 /3billion dataset). Therefore, this variant is classified as Pathogenic according to the recommendation of ACMG/AMP guideline.

Medical and Scientific Branch, Hong Kong Genome Institute
Classification: Pathogenic for Polycystic kidney disease, adult type. Last evaluated: 2026-01-26. Review status: criteria provided, single submitter. Criteria: ACMG Guidelines, 2015. Collection method: clinical testing. Allele origin: unknown. Affected: yes.

CeGaT Center for Human Genetics Tuebingen
Classification: Pathogenic. Last evaluated: 2025-12-01. Review status: criteria provided, single submitter. Criteria: CeGaT Center For Human Genetics Tuebingen Variant Classification Criteria Version 2. Collection method: clinical testing. Allele origin: germline. Affected: yes. Observed: 1 variant allele.
Comment: PKD1: PVS1, PS4, PM2

Laboratory of Genetics, Children's Clinical University Hospital Latvia
Classification: Pathogenic. Last evaluated: 2025-02-16. Review status: criteria provided, single submitter. Criteria: ACMG Guidelines, 2015. Collection method: clinical testing. Allele origin: germline. Affected: yes.

Mayo Clinic Laboratories, Mayo Clinic
Classification: Pathogenic. Last evaluated: 2024-07-30. Review status: criteria provided, single submitter. Criteria: ACMG Guidelines, 2015. Collection method: clinical testing. Allele origin: germline. Observed: 2 variant alleles.
Comment: PM2, PM6, PS4, PVS1

Fulgent Genetics
Classification: Pathogenic for Polycystic kidney disease, adult type. Last evaluated: 2024-03-07. Review status: criteria provided, single submitter. Criteria: ACMG Guidelines, 2015. Collection method: clinical testing. Allele origin: germline.

Institute of Human Genetics Munich, TUM University Hospital
Classification: Pathogenic for Polycystic kidney disease, adult type. Last evaluated: 2023-12-22. Review status: criteria provided, single submitter. Criteria: Classification criteria August 2017. Collection method: clinical testing. Allele origin: germline. Inheritance: Autosomal dominant inheritance. Affected: yes. Observed: 1 variant allele.

Ambry Genetics
Classification: Pathogenic for Inborn genetic diseases. Last evaluated: 2023-11-14. Review status: criteria provided, single submitter. Criteria: Ambry Variant Classification Scheme 2023. Collection method: clinical testing. Allele origin: germline.
Comment: The c.5014_5015delAG (p.R1672Gfs*98) alteration, located in exon 15 (coding exon 15) of the PKD1 gene, consists of a deletion of 2 nucleotides from position 5014 to 5015, causing a translational frameshift with a predicted alternate stop codon after 98 amino acids. This alteration is expected to result in loss of function by premature protein truncation or nonsense-mediated mRNA decay. This variant was not reported in population-based cohorts in the Genome Aggregation Database (gnomAD). This variant has been detected in the heterozygous state in many individuals with polycystic kidney disease, including multiple de novo occurrences, and has been reported to segregate with disease in several families (Ali, 2023; Domingo-Gallego, 2021; Durkie, 2021; Peces, 2020; Berckmoes, 2019; Zhang, 2019; Pandita, 2019; Wang, 2019; Al Alawi, 2019; Yu, 2011; Rossetti, 2007). Based on the available evidence, this alteration is classified as pathogenic.

Genetic Services Laboratory, University of Chicago
Classification: Pathogenic. Last evaluated: 2023-09-07. Review status: criteria provided, single submitter. Criteria: ACMG Guidelines, 2015. Collection method: clinical testing. Allele origin: germline. Affected: yes.
Comment: DNA sequence analysis of the PKD1 gene demonstrated a 2 base pair deletion in exon 15, c.5014_5015del. This sequence change results in an amino acid frameshift and creates a premature stop codon 32 amino acids downstream of the change, p.Arg1672Glyfs*98. This sequence change is predicted to result in an abnormal transcript, which may be degraded, or may lead to the production of a truncated PKD1 protein with potentially abnormal function. The c.5014_5015del sequence change has not been described in population databases such as ExAC and gnomAD. This pathogenic sequence change has previously been shown to segregate with disease in several families with PKD1-related disorders [PMIDs: 31844813, 9668165].

Blueprint Genetics
Classification: Pathogenic for PKD1-related disorders. Last evaluated: 2023-09-01. Review status: criteria provided, single submitter. Criteria: ACMG Guidelines, 2015. Collection method: clinical testing. Allele origin: germline. Affected: yes. Observed: 5 variant alleles.